The following is an entry in ClinVar:

ClinVar aggregate classification (germline): Uncertain significance (1 of 4 stars; one submission).

Conditions:
Hereditary cancer-predisposing syndrome. Also called: Neoplastic Syndromes, Hereditary; Tumor predisposition; Hereditary neoplastic syndrome; Hereditary Cancer Syndrome. Identifiers: Orphanet 140162, MedGen C0027672, MeSH D009386, MONDO:0015356.
Cardiovascular phenotype. Identifiers: MedGen CN230736.

Submission:

Ambry Genetics
Classification: Uncertain significance for Cardiovascular phenotype; Hereditary cancer-predisposing syndrome. Last evaluated: 2023-09-14. Review status: criteria provided, single submitter. Criteria: Ambry Variant Classification Scheme 2023. Collection method: clinical testing. Allele origin: germline.
Comment: The p.K297M variant (also known as c.890A>T), located in coding exon 9 of the NF1 gene, results from an A to T substitution at nucleotide position 890. The lysine at codon 297 is replaced by methionine, an amino acid with similar properties. This amino acid position is conserved. In addition, the in silico prediction for this alteration is inconclusive. Since supporting evidence is limited at this time, the clinical significance of this alteration remains unclear.

NM_001042492.3(NF1):c.890A>T (p.Lys297Met)

Gene: NF1 (neurofibromin 1; plus strand). Cytogenetic location: 17q11.2.
Variant type: single nucleotide variant.
Coding change: c.890A>T on transcript NM_001042492.3 (MANE Select); coding-DNA position 890, A replaced by T.
Protein change: p.Lys297Met; replaces lysine 297 with methionine.
Molecular consequence: missense variant.
Genome position (GRCh38, 1-based): chr17:31,200,423, A>T. VCF-style: chr17-31200423-A-T. GRCh37 (hg19) VCF-style: chr17-29527441-A-T.
Other names: c.890A>T, p.Lys297Met (NM_000267.4, NM_001128147.3); short protein forms K297M.
Identifiers: ClinVar variation 3237992 (VCV003237992.1), dbSNP rs1219929525.